The following is an entry in ClinVar:

NM_016507.4(CDK12):c.1265G>A (p.Gly422Asp)

Gene: CDK12 (cyclin dependent kinase 12; plus strand). Cytogenetic location: 17q12.
Variant type: single nucleotide variant.
Coding change: c.1265G>A on transcript NM_016507.4 (MANE Select); coding-DNA position 1265, G replaced by A.
Protein change: p.Gly422Asp; replaces glycine 422 with aspartic acid.
Molecular consequence: missense variant.
Genome position (GRCh38, 1-based): chr17:39,471,097, G>A. VCF-style: chr17-39471097-G-A. GRCh37 (hg19) VCF-style: chr17-37627350-G-A.
Other names: c.1265G>A, p.Gly422Asp (NM_015083.4); short protein forms G422D.
Identifiers: ClinVar variation 3999346 (VCV003999346.1).
Genomic context (GRCh38, chr17:39,471,097, plus strand): 5'-AAAAGAAGGAAAGAGCAGCTGCTGCTGCTGCAGCAAAGATGGATGGAAAGGAGTCCAAGG[G>A]TTCACCTGTATTTTTGCCTAGAAAAGAGAACAGTTCAGTAGAGGCTAAGGATTCAGGTTT-3'
Protein context (NP_057591.2, residues 412-432): AAKMDGKESK[Gly422Asp]SPVFLPRKEN

ClinVar aggregate classification (germline): Uncertain significance (1 of 4 stars; one submission).

Submission:

Ambry Genetics
Classification: Uncertain significance. Last evaluated: 2025-04-12. Review status: criteria provided, single submitter. Criteria: Ambry Variant Classification Scheme 2023. Collection method: clinical testing. Allele origin: germline.
Comment: The p.G422D variant (also known as c.1265G>A), located in coding exon 2 of the CDK12 gene, results from a G to A substitution at nucleotide position 1265. The glycine at codon 422 is replaced by aspartic acid, an amino acid with similar properties. This amino acid position is conserved. In addition, this alteration is predicted to be tolerated by in silico analysis. Based on the available evidence, the clinical significance of this variant remains unclear.